The following is an entry in ClinVar:

ClinVar aggregate classification (germline): Benign/Likely benign. Review status: criteria provided, multiple submitters, no conflicts (2 of 4 stars). 4 submissions from 4 submitters: Benign (1); Likely benign (2). 1 of the submissions does not count toward it. Last evaluated 2026-01-20.

Conditions:
Cardiovascular phenotype. Identifiers: MedGen CN230736.
TNXB-related disorder. Also called: TNXB-related condition.

Allele frequency attached by ClinVar (database versions not stated): ExAC 0.00028; gnomAD exomes 0.00031; 1000 Genomes Project 30x 0.00078; 1000 Genomes Project 0.00080.
gnomAD v4.1: 275 of 1,613,912 alleles (0.017%); highest among the groups gnomAD compares: East Asian, 0.6%; 2 homozygotes.

Submissions (4):

Labcorp Genetics (formerly Invitae), Labcorp
Classification: Benign. Last evaluated: 2026-01-20. Review status: criteria provided, single submitter. Criteria: Invitae Variant Classification Sherloc (09022015). Collection method: clinical testing. Allele origin: germline.

Ambry Genetics
Classification: Likely benign for Cardiovascular phenotype. Last evaluated: 2019-10-20. Review status: criteria provided, single submitter. Criteria: Ambry Variant Classification Scheme 2023. Collection method: clinical testing. Allele origin: germline.

GeneDx
Classification: Likely benign. Last evaluated: 2019-07-11. Review status: criteria provided, single submitter. Criteria: GeneDx Variant Classification Process June 2021. Collection method: clinical testing. Allele origin: germline. Affected: yes.

PreventionGenetics, part of Exact Sciences
Classification: Benign for TNXB-related condition. Last evaluated: 2024-04-18. Review status: no assertion criteria provided. Collection method: clinical testing. Allele origin: germline. Not counted in ClinVar's aggregate classification.
Comment: This variant is classified as benign based on ACMG/AMP sequence variant interpretation guidelines (Richards et al. 2015 PMID: 25741868, with internal and published modifications).

NM_001365276.2(TNXB):c.6135G>C (p.Leu2045=)

Gene: TNXB (tenascin XB; minus strand). Cytogenetic location: 6p21.33.
Variant type: single nucleotide variant.
Coding change: c.6135G>C on transcript NM_001365276.2 (MANE Select); coding-DNA position 6135, G replaced by C.
Protein change: p.Leu2045=; no amino-acid change (leucine 2045 retained).
Molecular consequence: synonymous variant.
Genome position (GRCh38, 1-based): chr6:32,068,475, C>G on the plus strand (G>C on the coding strand, the complement: TNXB is on the minus strand). VCF-style: chr6-32068475-C-G. GRCh37 (hg19) VCF-style: chr6-32036252-C-G.
Other names: c.6135G>C, p.Leu2045= (NM_019105.8).
Identifiers: ClinVar variation 1215698 (VCV001215698.7), dbSNP rs149376928, ClinGen allele CA3734525.